The following is an entry in ClinVar:

NM_001035.3(RYR2):c.11746G>C (p.Val3916Leu)

Gene: RYR2 (ryanodine receptor 2; plus strand). Cytogenetic location: 1q43.
Variant type: single nucleotide variant.
Coding change: c.11746G>C on transcript NM_001035.3 (MANE Select); coding-DNA position 11746, G replaced by C.
Protein change: p.Val3916Leu; replaces valine 3916 with leucine.
Molecular consequence: missense variant.
Genome position (GRCh38, 1-based): chr1:237,773,619, G>C. VCF-style: chr1-237773619-G-C. GRCh37 (hg19) VCF-style: chr1-237936919-G-C.
Other names: short protein forms V3916L.
Identifiers: ClinVar variation 5006340 (VCV005006340.2).
Genomic context (GRCh38, chr1:237,773,619, plus strand): 5'-GATGTTATTGATGAACAAGGACAACGGAATTTCTCCAAAGCTATCCAAGTGGCAAAACAA[G>C]TCTTTAACACTCTTACAGAGTATATTCAGGTAAACATTTAAACATGGCTGCTATCTGTAG-3'
Protein context (NP_001026.2, residues 3906-3926): FSKAIQVAKQ[Val3916Leu]FNTLTEYIQG

ClinVar aggregate classification (germline): Uncertain significance (1 of 4 stars; one submission).

Conditions:
Ventricular arrhythmias due to cardiac ryanodine receptor calcium release deficiency syndrome. Also called: Autosomal dominant cardiac arrhythmia (Kuhn). Identifiers: MedGen C5542154, MONDO:0020745, OMIM 115000.
Catecholaminergic polymorphic ventricular tachycardia 1. Also called: VENTRICULAR TACHYCARDIA, CATECHOLAMINERGIC POLYMORPHIC, 1, WITH OR WITHOUT ATRIAL DYSFUNCTION AND/OR DILATED CARDIOMYOPATHY; VENTRICULAR TACHYCARDIA, STRESS-INDUCED POLYMORPHIC 1; RYR2-Related Catecholaminergic Polymorphic Ventricular Tachycardia. Identifiers: Orphanet 3286, MedGen C1631597, MONDO:0011484, OMIM 604772.

Submission:

Juno Genomics, Hangzhou Juno Genomics, Inc
Classification: Uncertain significance for Ventricular arrhythmias due to cardiac ryanodine receptor calcium release deficiency syndrome; Catecholaminergic polymorphic ventricular tachycardia 1. Review status: criteria provided, single submitter. Criteria: ACMG Guidelines, 2015. Collection method: clinical testing. Allele origin: germline.
Comment: Absent from controls (or at extremely low frequency if recessive) in Genome Aggregation Database.;Multiple lines of computational evidence support a deleterious effect on the gene or gene product.